The following is an entry in ClinVar:

NM_030777.4(SLC2A10):c.1217C>A (p.Ala406Glu)

Gene: SLC2A10 (solute carrier family 2 member 10; plus strand). Cytogenetic location: 20q13.12.
Variant type: single nucleotide variant.
Coding change: c.1217C>A on transcript NM_030777.4 (MANE Select); coding-DNA position 1217, C replaced by A.
Protein change: p.Ala406Glu; replaces alanine 406 with glutamic acid.
Molecular consequence: missense variant.
Genome position (GRCh38, 1-based): chr20:46,726,253, C>A. VCF-style: chr20-46726253-C-A. GRCh37 (hg19) VCF-style: chr20-45354892-C-A.
Other names: short protein forms A406E.
Identifiers: ClinVar variation 1520558 (VCV001520558.8), dbSNP rs752635709, ClinGen allele CA9892131.

ClinVar aggregate classification (germline): Uncertain significance (1 of 4 stars; one submission).

Conditions:
Arterial tortuosity syndrome (ATORS). Identifiers: Orphanet 3342, MedGen C1859726, MONDO:0008818, OMIM 208050.

Allele frequency attached by ClinVar (database versions not stated): gnomAD exomes below 0.00001; ExAC 0.00001.
gnomAD v4.1: 4 of 1,613,512 alleles (0.00025%); highest among the groups gnomAD compares: Non-Finnish European, 0.00034%; no homozygotes.

Submission:

Labcorp Genetics (formerly Invitae), Labcorp
Classification: Uncertain significance for Arterial tortuosity syndrome. Last evaluated: 2021-02-02. Review status: criteria provided, single submitter. Criteria: Invitae Variant Classification Sherloc (09022015). Collection method: clinical testing. Allele origin: germline.
Comment: In summary, the available evidence is currently insufficient to determine the role of this variant in disease. Therefore, it has been classified as a Variant of Uncertain Significance. Advanced modeling of protein sequence and biophysical properties (such as structural, functional, and spatial information, amino acid conservation, physicochemical variation, residue mobility, and thermodynamic stability) performed at Invitae indicates that this missense variant is not expected to disrupt SLC2A10 protein function. This sequence change replaces alanine with glutamic acid at codon 406 of the SLC2A10 protein (p.Ala406Glu). The alanine residue is weakly conserved and there is a moderate physicochemical difference between alanine and glutamic acid. This variant has not been reported in the literature in individuals with SLC2A10-related conditions. This variant is present in population databases (rs752635709, ExAC 0.002%).